The following is an entry in ClinVar:

ClinVar aggregate classification (germline): Benign (1 of 4 stars; one submission).

Allele frequency attached by ClinVar (database versions not stated): 1000 Genomes Project 0.03814; 1000 Genomes Project 30x 0.04076; TOPMed 0.05056; gnomAD 0.05271 and 0.05398.

Submission:

GeneDx
Classification: Benign. Last evaluated: 2018-06-14. Review status: criteria provided, single submitter. Criteria: GeneDx Variant Classification (06012015). Collection method: clinical testing. Allele origin: germline. Affected: yes.
Comment: This variant is considered likely benign or benign based on one or more of the following criteria: it is a conservative change, it occurs at a poorly conserved position in the protein, it is predicted to be benign by multiple in silico algorithms, and/or has population frequency not consistent with disease.

NM_014844.5(TECPR2):c.1085-211G>A

Gene: TECPR2 (tectonin beta-propeller repeat containing 2; plus strand). Cytogenetic location: 14q32.31.
Variant type: single nucleotide variant.
Coding change: c.1085-211G>A on transcript NM_014844.5 (MANE Select); 211 bases into the intron before coding-DNA position 1085, G replaced by A.
Molecular consequence: intron variant.
Genome position (GRCh38, 1-based): chr14:102,431,585, G>A. VCF-style: chr14-102431585-G-A. GRCh37 (hg19) VCF-style: chr14-102897922-G-A.
Other names: c.1085-211G>A (NM_001172631.3).
Identifiers: ClinVar variation 672257 (VCV000672257.1), dbSNP rs11621427, ClinGen allele CA267055907.
Genomic context (GRCh38, chr14:102,431,585, plus strand): 5'-GTAGAGACGGGGTTTCACTGTGTTAGCCAGGATGGTCTTGATCTCCTGACCTTGTGATCC[G>A]CCCGCCTTGGCCTCCCAAAGTGCTGGGATTACAGGCGTGAGTCACCGTGCCCATCCTAGT-3'